The following is an entry in ClinVar:

ClinVar aggregate classification (germline): Conflicting classifications of pathogenicity. Review status: criteria provided, conflicting classifications (1 of 4 stars). 4 submissions from 4 submitters: Uncertain significance (1); Benign (1); Likely benign (1). 1 of the submissions does not count toward it. Last evaluated 2025-09-02.

Conditions:
CREBBP-related disorder. Also called: CREBBP-related condition; CREBBP-related disorders.
Rubinstein-Taybi syndrome (RSTS). Identifiers: Orphanet 783, MedGen C0035934, MONDO:0019188.
Inborn genetic diseases. Identifiers: MedGen C0950123, MeSH D030342.

Allele frequency attached by ClinVar (database versions not stated): TOPMed below 0.00001; gnomAD exomes 0.00001 and 0.00002.
gnomAD v4.1: 8 of 1,603,414 alleles (0.0005%); highest among the groups gnomAD compares: Admixed American, 0.012%; no homozygotes.

Submissions (4):

Labcorp Genetics (formerly Invitae), Labcorp
Classification: Benign for Rubinstein-Taybi syndrome. Last evaluated: 2025-09-02. Review status: criteria provided, single submitter. Criteria: Invitae Variant Classification Sherloc (09022015). Collection method: clinical testing. Allele origin: germline.

Ambry Genetics
Classification: Likely benign for Inborn genetic diseases. Last evaluated: 2020-05-04. Review status: criteria provided, single submitter. Criteria: Ambry Variant Classification Scheme 2023. Collection method: clinical testing. Allele origin: germline.

GeneDx
Classification: Uncertain significance. Last evaluated: 2016-08-12. Review status: criteria provided, single submitter. Criteria: GeneDx Variant Classification (06012015). Collection method: clinical testing. Allele origin: germline. Affected: yes.
Comment: The T1735M variant in the CREBBP gene has not been reported previously as a pathogenic variant, nor as a benign variant, to our knowledge. The T1735M variant was not observed in approximately 6,500 individuals of European and African American ancestry in the NHLBI Exome Sequencing Project, indicating it is not a common benign variant in these populations. The T1735M variant is a non-conservative amino acid substitution, which is likely to impact secondary protein structure as these residues differ in polarity, charge, size and/or other properties. This substitution occurs at a position where amino acids with similar properties to Threonine are tolerated across species. In silico analysis predicts this variant is probably damaging to the protein structure/function. We interpret T1735M as a variant of uncertain significance.

PreventionGenetics, part of Exact Sciences
Classification: Uncertain significance for CREBBP-related condition. Last evaluated: 2024-05-24. Review status: no assertion criteria provided. Collection method: clinical testing. Allele origin: germline. Not counted in ClinVar's aggregate classification.
Comment: The CREBBP c.5204C>T variant is predicted to result in the amino acid substitution p.Thr1735Met. To our knowledge, this variant has not been reported in the literature. This variant is reported in 0.014% of alleles in individuals of Latino descent in gnomAD. At this time, the clinical significance of this variant is uncertain due to the absence of conclusive functional and genetic evidence.

NM_004380.3(CREBBP):c.5204C>T (p.Thr1735Met)

Gene: CREBBP (CREB binding lysine acetyltransferase; minus strand). Cytogenetic location: 16p13.3.
Variant type: single nucleotide variant.
Coding change: c.5204C>T on transcript NM_004380.3 (MANE Select); coding-DNA position 5204, C replaced by T.
Protein change: p.Thr1735Met; replaces threonine 1735 with methionine.
Molecular consequence: missense variant.
Genome position (GRCh38, 1-based): chr16:3,729,843, G>A on the plus strand (C>T on the coding strand, the complement: CREBBP is on the minus strand). VCF-style: chr16-3729843-G-A. GRCh37 (hg19) VCF-style: chr16-3779844-G-A.
Other names: c.5090C>T, p.Thr1697Met (NM_001079846.1); short protein forms T1735M, T1697M.
Identifiers: ClinVar variation 418148 (VCV000418148.9), dbSNP rs1064793090, ClinGen allele CA16620202.